The following is an entry in ClinVar:

NM_000257.4(MYH7):c.2681A>G (p.Glu894Gly)

Gene: MYH7 (myosin heavy chain 7; minus strand). Cytogenetic location: 14q11.2.
Variant type: single nucleotide variant.
Coding change: c.2681A>G on transcript NM_000257.4 (MANE Select); coding-DNA position 2681, A replaced by G.
Protein change: p.Glu894Gly; replaces glutamic acid 894 with glycine.
Molecular consequence: missense variant.
Genome position (GRCh38, 1-based): chr14:23,424,148, T>C on the plus strand (A>G on the coding strand, the complement: MYH7 is on the minus strand). VCF-style: chr14-23424148-T-C. GRCh37 (hg19) VCF-style: chr14-23893357-T-C.
Other names: NM_000257.3(MYH7):c.2681A>G; short protein forms E894G.
Identifiers: ClinVar variation 42922 (VCV000042922.53), dbSNP rs397516161, ClinGen allele CA012832.
Genomic context (GRCh38, chr14:23,424,148, plus strand): 5'-TGAATCTTGTTTTTGATCAGCTGATCACAGCGCTCCTCAGCATCTGCCAGGTTGTCTTGT[T>C]CCTGAAGGTGAGGAACAGAGGGGAGGCTGTTCAGGGGGTAAGGTCCTCATTCTTGCAGGT-3'
Protein context (NP_000248.2, residues 884-904): KNDLQLQVQA[Glu894Gly]QDNLADAEER

ClinVar aggregate classification (germline): Pathogenic. Review status: reviewed by expert panel (3 of 4 stars). 17 submissions from 17 submitters: Pathogenic (1). 16 of the submissions do not count toward it. Last evaluated 2016-12-15.

Conditions:
MYH7-related disorder. Also called: MYH7-related disorders; MYH7-related condition; MYH7-related disease.
Cardiovascular phenotype. Identifiers: MedGen CN230736.
MYH7-related skeletal myopathy. Also called: Myopathy, distal, 1; Laing distal myopathy; Laing early-onset distal myopathy; MYOPATHY, DISTAL, EARLY-ONSET, AUTOSOMAL DOMINANT; MYOPATHY, LATE DISTAL HEREDITARY. Identifiers: Orphanet 59135, MedGen C4552004, MONDO:0008050, OMIM 160500.
Myopathy, myosin storage, autosomal recessive (CMYO7B). Also called: CONGENITAL MYOPATHY 7B, MYOSIN STORAGE, AUTOSOMAL RECESSIVE. Identifiers: Orphanet 636970, MedGen C1850709, MONDO:0009708, OMIM 255160.
Myosin storage myopathy (CMYO7A). Also called: MYOPATHY WITH LYSIS OF TYPE I MYOFIBRILS; MYOPATHY, HYALINE BODY, AUTOSOMAL DOMINANT; MYH7-related late-onset scapuloperoneal muscular dystrophy; Congenital myopathy 7A, myosin storage, autosomal dominant; SCAPULOPERONEAL MUSCULAR DYSTROPHY; SCAPULOPERONEAL SYNDROME, MYOPATHIC TYPE. Identifiers: Orphanet 437572, Orphanet 636965, MedGen C1842160, MONDO:0008409, OMIM 608358.
Dilated cardiomyopathy 1S (CMD1S). Identifiers: Orphanet 154, Orphanet 54260, MedGen C1834481, MONDO:0013262, OMIM 613426.
Hypertrophic cardiomyopathy 1 (CMH1). Also called: MYH7-Related Familial Hypertrophic Cardiomyopathy; Familial hypertrophic cardiomyopathy 1. Identifiers: MedGen C3495498, MONDO:0008647, OMIM 192600.
Congenital myopathy with fiber type disproportion. Also called: Congenital fiber-type disproportion; Congenital fiber-type disproportion myopathy. Identifiers: Orphanet 2020, MedGen C0546264, MONDO:0009711. Inheritance: all.
Cardiomyopathy (CMYO). Also called: Cardiomyopathies. Identifiers: Orphanet 167848, MedGen C0878544, MONDO:0004994, HP:0001638. Inheritance: Various modes of inheritance.
Hypertrophic cardiomyopathy. Also called: HYPERTROPHIC MYOCARDIOPATHY. Identifiers: Orphanet 217569, MedGen C0007194, MeSH D002312, MONDO:0005045, HP:0001639.

Allele frequency attached by ClinVar (database versions not stated): gnomAD exomes below 0.00001; TOPMed below 0.00001; gnomAD 0.00001.
gnomAD v4.1: 4 of 1,614,088 alleles (0.00025%); highest among the groups gnomAD compares: Non-Finnish European, 0.00034%; no homozygotes.

Submissions 1 to 4 of 17:

ClinGen Cardiomyopathy Variant Curation Expert Panel
Classification: Pathogenic for Hypertrophic cardiomyopathy. Last evaluated: 2016-12-15. Review status: reviewed by expert panel. Criteria: ClinGen CMP ACMG Specifications v1. Collection method: curation. Allele origin: germline. Inheritance: Autosomal dominant inheritance.
Comment: The c.2681A>G (p.Glu894Gly) variant in MYH7 has been reported in >20 individuals with hypertrophic cardiomyopathy (PS4: PMID:PMID:27532257; PMID:15358028; PMID:15858117; PMID:21511876; PMID:23396983; PMID:24510615; SHaRe consortium, PMID: 30297972, Partners LMM ClinVar SCV000059463.5; AGCMC Sydney ClinVar SCV000212641.2; Invitae ClinVar SCV000253683.5). This variant segregated with disease in 6 affected individuals (PP1_Moderate: AGCMC Sydney ClinVar SCV000212641.2; Partners LMM ClinVar SCV000059463.5). This variant was absent from large population studies (PM2). This variant lies in the head region of the protein (aa 181-937) and missense variants in this region are statistically more likely to be disease-associated (PM1; PMID:27532257). Computational prediction tools and conservation analysis suggest that this variant may impact the protein (PP3). In summary, this variant meets criteria to be classified as pathogenic for hypertrophic cardiomyopathy in an autosomal dominant manner. MYH7-specific ACMG/AMP criteria applied (PMID:29300372): PS4; PM1; PM2; PP1_Moderate; PP3

Labcorp Genetics (formerly Invitae), Labcorp
Classification: Pathogenic for Hypertrophic cardiomyopathy. Last evaluated: 2026-01-26. Review status: criteria provided, single submitter. Criteria: Invitae Variant Classification Sherloc (09022015). Collection method: clinical testing. Allele origin: germline. Not counted in ClinVar's aggregate classification.
Comment: This sequence change replaces glutamic acid, which is acidic and polar, with glycine, which is neutral and non-polar, at codon 894 of the MYH7 protein (p.Glu894Gly). This variant is not present in population databases (gnomAD no frequency). This missense change has been observed in individuals with hypertrophic cardiomyopathy (PMID: 15358028, 15858117, 21511876, 26914223, 27532257; internal data). ClinVar contains an entry for this variant (Variation ID: 42922). An algorithm developed to predict the effect of missense changes on protein structure and function (PolyPhen-2) suggests that this variant is likely to be tolerated. This variant is found within a region of MYH7 between codons 181 and 937 that contains the majority of the myosin head domain. Missense variants in this region have been shown to be significantly overrepresented in individuals with hypertrophic cardiomyopathy (PMID: 27532257). For these reasons, this variant has been classified as Pathogenic.

Victorian Clinical Genetics Services, Murdoch Childrens Research Institute
Classification: Pathogenic for Hypertrophic cardiomyopathy 1. Last evaluated: 2025-08-12. Review status: criteria provided, single submitter. Criteria: ACMG Guidelines, 2015. Collection method: clinical testing. Allele origin: germline. Affected: yes. Not counted in ClinVar's aggregate classification.
Comment: This variant is classified as Pathogenic. Evidence in support of pathogenic classification: Variant is present in gnomAD (v3) <0.01 (1 heterozygote, 0 homozygotes); This variant has strong previous evidence of pathogenicity in unrelated individuals. It has been classified as pathogenic by the ClinGen Cardiomyopathy Variant Curation Expert Panel (ClinVar); Variant is located in a hotspot region or cluster of PATHOGENIC variants. This variant is found within the head region, which is enriched with pathogenic missense variants (PMID: 29300372); Missense variant consistently predicted to be damaging by multiple in silico tools or highly conserved with a major amino acid change. Additional information: Variant is predicted to result in a missense amino acid change from glutamic acid to glycine; This variant is heterozygous; This gene is associated with both recessive and dominant disease. Disease associated with this gene usually has autosomal dominant inheritance; however, a recessive inheritance pattern has been observed in severe cases (OMIM); Multiple alternative amino acid changes at the same position have been observed in gnomAD (highest allele count in v2: 2 heterozygotes, 0 homozygotes); The mechanism of disease for this gene is not clearly established; however, missense variants have been proposed to act in a dominant negative manner (PMID: 24714796); The condition associated with this gene has incomplete penetrance (PMID: 29300372); Inheritance information for this variant is not currently available in this individual.

ARUP Laboratories, Molecular Genetics and Genomics, ARUP Laboratories
Classification: Pathogenic. Last evaluated: 2025-02-12. Review status: criteria provided, single submitter. Criteria: ARUP Molecular Germline Variant Investigation Process 2024. Collection method: clinical testing. Allele origin: germline. Not counted in ClinVar's aggregate classification.
Comment: The MYH7 c.2681A>G; p.Glu894Gly variant (rs397516161; ClinVar Variation ID: 42922) is reported in the literature in multiple individuals included in cohorts of hypertrophic cardiomyopathy patients (Homburger 2016, Lopes 2013, Murphy 2016, Van Driest 2004, Walsh 2017, Yu 2005) and shown to co-segregate with disease through at least 6 meiosis (Kelly 2018). This variant is absent from the Genome Aggregation Database (v2.1.1), indicating it is not a common polymorphism. Computational analyses predict that this variant is deleterious (REVEL: 0.966). This variant is found in the myosin head domain, in which missense variants are overrepresented in individuals with hypertrophic cardiomyopathy (Walsh 2017). Based on available information, this variant is considered to be pathogenic. References: Homburger JR et al. Multidimensional structure-function relationships in human ÃŸ-cardiac myosin from population-scale genetic variation. Proc Natl Acad Sci U S A. 2016 Jun 14;113(24):6701-6. PMID: 27247418 Kelly MA et al. Adaptation and validation of the ACMG/AMP variant classification framework for MYH7-associated inherited cardiomyopathies: recommendations by ClinGen's Inherited Cardiomyopathy Expert Panel. Genet Med. 2018 Mar;20(3):351-359. PMID: 29300372 Lopes LR et al. Genetic complexity in hypertrophic cardiomyopathy revealed by high-throughput sequencing. J Med Genet. 2013 Apr;50(4):228-39. PMID: 23396983 Murphy SL et al. Evaluation of the Mayo Clinic Phenotype-Based Genotype Predictor Score in Patients with Clinically Diagnosed Hypertrophic Cardiomyopathy. J Cardiovasc Transl Res. 2016 Apr;9(2):153-61. PMID: 26914223 Van Driest SL et al. Comprehensive analysis of the beta-myosin heavy chain gene in 389 unrelated patients with hypertrophic cardiomyopathy. J Am Coll Cardiol. 2004 Aug 4;44(3):602-10. PMID: 15358028 Walsh R et al. Reassessment of Mendelian gene pathogenicity using 7,855 cardiomyopathy cases and 60,706 reference samples. Genet Med. 2017 Feb;19(2):192-203. PMID: 27532257 Yu B et al. Denaturing high performance liquid chromatography: high throughput mutation screening in familial hypertrophic cardiomyopathy and SNP genotyping in motor neurone disease. J Clin Pathol. 2005 May;58(5):479-85. PMID: 15858117